The following is an entry in ClinVar:

NM_001966.4(EHHADH):c.1648G>A (p.Ala550Thr)

Gene: EHHADH (enoyl-CoA hydratase and 3-hydroxyacyl CoA dehydrogenase; minus strand). Cytogenetic location: 3q27.2.
Variant type: single nucleotide variant.
Coding change: c.1648G>A on transcript NM_001966.4 (MANE Select); coding-DNA position 1648, G replaced by A.
Protein change: p.Ala550Thr; replaces alanine 550 with threonine.
Molecular consequence: missense variant.
Genome position (GRCh38, 1-based): chr3:185,192,750, C>T on the plus strand (G>A on the coding strand, the complement: EHHADH is on the minus strand). VCF-style: chr3-185192750-C-T. GRCh37 (hg19) VCF-style: chr3-184910538-C-T.
Other names: c.1360G>A, p.Ala454Thr (NM_001166415.2); short protein forms A454T, A550T.
Identifiers: ClinVar variation 2629519 (VCV002629519.1), dbSNP rs757961359, ClinGen allele CA2738942.

ClinVar aggregate classification (germline): Uncertain significance (1 of 4 stars; one submission).

Conditions:
EHHADH-related disorder. Also called: EHHADH-related condition.

Allele frequency attached by ClinVar (database versions not stated): ExAC 0.00001; gnomAD 0.00001; TOPMed 0.00001; gnomAD exomes 0.00002.
gnomAD v4.1: 24 of 1,613,816 alleles (0.0015%); highest among the groups gnomAD compares: African/African-American, 0.0027%; no homozygotes.

Submission:

PreventionGenetics, part of Exact Sciences
Classification: Uncertain significance for EHHADH-related condition. Last evaluated: 2023-02-27. Review status: criteria provided, single submitter. Criteria: ACMG Guidelines, 2015. Collection method: clinical testing. Allele origin: germline.
Comment: The EHHADH c.1648G>A variant is predicted to result in the amino acid substitution p.Ala550Thr. To our knowledge, this variant has not been reported in the literature. This variant is reported in 0.0029% of alleles in individuals of Latino descent in gnomAD. At this time, the clinical significance of this variant is uncertain due to the absence of conclusive functional and genetic evidence.